The following is an entry in ClinVar:

ClinVar aggregate classification (germline): Likely benign. Review status: criteria provided, multiple submitters, no conflicts (2 of 4 stars). 3 submissions from 3 submitters: Likely benign (3). Last evaluated 2024-12-04.

Conditions:
Catecholaminergic polymorphic ventricular tachycardia (CVPT). Also called: Catecholamine-induced polymorphic ventricular tachycardia. Identifiers: Orphanet 3286, MedGen C5574922, MONDO:0017990.
Catecholaminergic polymorphic ventricular tachycardia 1. Also called: RYR2-Related Catecholaminergic Polymorphic Ventricular Tachycardia; VENTRICULAR TACHYCARDIA, CATECHOLAMINERGIC POLYMORPHIC, 1, WITH OR WITHOUT ATRIAL DYSFUNCTION AND/OR DILATED CARDIOMYOPATHY; VENTRICULAR TACHYCARDIA, STRESS-INDUCED POLYMORPHIC 1. Identifiers: Orphanet 3286, MedGen C1631597, MONDO:0011484, OMIM 604772.

Allele frequency attached by ClinVar (database versions not stated): gnomAD exomes below 0.00001 and 0.00001; ExAC 0.00001.
gnomAD v4.1: 18 of 1,614,018 alleles (0.0011%); highest among the groups gnomAD compares: Non-Finnish European, 0.0014%; no homozygotes.

Submissions (3):

Labcorp Genetics (formerly Invitae), Labcorp
Classification: Likely benign for Catecholaminergic polymorphic ventricular tachycardia 1. Last evaluated: 2024-12-04. Review status: criteria provided, single submitter. Criteria: Invitae Variant Classification Sherloc (09022015). Collection method: clinical testing. Allele origin: germline.

Blueprint Genetics
Classification: Likely benign. Last evaluated: 2024-11-22. Review status: criteria provided, single submitter. Criteria: ACMG Guidelines, 2015. Collection method: clinical testing. Allele origin: germline.

All of Us Research Program, National Institutes of Health
Classification: Likely benign for Catecholaminergic polymorphic ventricular tachycardia. Last evaluated: 2023-12-13. Review status: criteria provided, single submitter. Criteria: ACMG Guidelines, 2015. Collection method: clinical testing. Allele origin: germline. Inheritance: Autosomal dominant inheritance. Observed: 2 variant alleles, 2 heterozygotes.
Comment: This study involves interpretation of variants in research participants for the purpose of population health screening. Participant phenotype was not available at the time of variant classification. Additional details can be found in publication PMID: 35346344, PMCID: PMC8962531

NM_001035.3(RYR2):c.600C>T (p.Ser200=)

Gene: RYR2 (ryanodine receptor 2; plus strand). Cytogenetic location: 1q43.
Variant type: single nucleotide variant.
Coding change: c.600C>T on transcript NM_001035.3 (MANE Select); coding-DNA position 600, C replaced by T.
Protein change: p.Ser200=; no amino-acid change (serine 200 retained).
Molecular consequence: synonymous variant.
Genome position (GRCh38, 1-based): chr1:237,387,304, C>T. VCF-style: chr1-237387304-C-T. GRCh37 (hg19) VCF-style: chr1-237550604-C-T.
Identifiers: ClinVar variation 758403 (VCV000758403.14), dbSNP rs754084775, ClinGen allele CA087018.
Genomic context (GRCh38, chr1:237,387,304, plus strand): 5'-AGCCTGAAGTGATGCCTCCTTTTGCCTCTTGATACAGCACTTGTCTTATGGCAACGGCAG[C>T]TTACACGTGGATGCCGCTTTCCAGCAGACTCTCTGGAGCGTGGCCCCAATCAGCTCAGGA-3'
Protein context (NP_001026.2, residues 190-210): RYLHLSYGNG[Ser200=]LHVDAAFQQT